The following is an entry in ClinVar:

NM_000748.3(CHRNB2):c.599G>A (p.Ser200Asn)

Gene: CHRNB2 (cholinergic receptor nicotinic beta 2 subunit; plus strand). Cytogenetic location: 1q21.3.
Variant type: single nucleotide variant.
Coding change: c.599G>A on transcript NM_000748.3 (MANE Select); coding-DNA position 599, G replaced by A.
Protein change: p.Ser200Asn; replaces serine 200 with asparagine.
Molecular consequence: missense variant.
Genome position (GRCh38, 1-based): chr1:154,571,422, G>A. VCF-style: chr1-154571422-G-A. GRCh37 (hg19) VCF-style: chr1-154543898-G-A.
Other names: c.599G>A (NM_000748.2); short protein forms S200N.
Identifiers: ClinVar variation 2125291 (VCV002125291.5), dbSNP rs763511654, ClinGen allele CA342630441.

ClinVar aggregate classification (germline): Uncertain significance. Review status: criteria provided, multiple submitters, no conflicts (2 of 4 stars). 2 submissions from 2 submitters: Uncertain significance (2). Last evaluated 2024-09-03.

Conditions:
Familial sleep-related hypermotor epilepsy. Also called: Autosomal Dominant Sleep-Related Hypermotor (Hyperkinetic) Epilepsy. Identifiers: Orphanet 98784, MedGen C3696898, MONDO:0000030.
Inborn genetic diseases. Identifiers: MedGen C0950123, MeSH D030342.

gnomAD v4.1: 5 of 1,614,204 alleles (0.00031%); highest among the groups gnomAD compares: Non-Finnish European, 0.00042%; no homozygotes.

Submissions (2):

Ambry Genetics
Classification: Uncertain significance for Inborn genetic diseases. Last evaluated: 2024-09-03. Review status: criteria provided, single submitter. Criteria: Ambry Variant Classification Scheme 2023. Collection method: clinical testing. Allele origin: germline.

Labcorp Genetics (formerly Invitae), Labcorp
Classification: Uncertain significance. Last evaluated: 2022-09-06. Review status: criteria provided, single submitter. Criteria: Invitae Variant Classification Sherloc (09022015). Collection method: clinical testing. Allele origin: germline.
Comment: This sequence change replaces serine, which is neutral and polar, with asparagine, which is neutral and polar, at codon 200 of the CHRNB2 protein (p.Ser200Asn). In summary, the available evidence is currently insufficient to determine the role of this variant in disease. Therefore, it has been classified as a Variant of Uncertain Significance. Advanced modeling of protein sequence and biophysical properties (such as structural, functional, and spatial information, amino acid conservation, physicochemical variation, residue mobility, and thermodynamic stability) performed at Invitae indicates that this missense variant is not expected to disrupt CHRNB2 protein function. This variant has not been reported in the literature in individuals affected with CHRNB2-related conditions. This variant is not present in population databases (gnomAD no frequency).